The following is an entry in ClinVar:

ClinVar aggregate classification (germline): Benign. Review status: criteria provided, multiple submitters, no conflicts (2 of 4 stars). 2 submissions from 2 submitters: Benign (2). Last evaluated 2018-01-12.

Conditions:
Oculotrichoanal syndrome (MOTA). Also called: MARLES SYNDROME; Manitoba Oculotrichoanal (MOTA) Syndrome. Identifiers: Orphanet 2717, MedGen C1855425, MONDO:0009560, OMIM 248450.

Allele frequency attached by ClinVar (database versions not stated): gnomAD exomes 0.15217; 1000 Genomes Project 0.08866; gnomAD 0.14368 and 0.14899; 1000 Genomes Project 30x 0.09119; TOPMed 0.14388.

Submissions (2):

Illumina Laboratory Services, Illumina
Classification: Benign for Oculotrichoanal syndrome. Last evaluated: 2018-01-12. Review status: criteria provided, single submitter. Criteria: ICSL Variant Classification Criteria 13 December 2019. Collection method: clinical testing. Allele origin: germline.
Comment: This variant was observed in the ICSL laboratory as part of a predisposition screen in an ostensibly healthy population. It had not been previously curated by ICSL or reported in the Human Gene Mutation Database (HGMD: prior to June 1st, 2018), and was therefore a candidate for classification through an automated scoring system. Utilizing variant allele frequency, disease prevalence and penetrance estimates, and inheritance mode, an automated score was calculated to assess if this variant is too frequent to cause the disease. Based on the score and internal cut-off values, a variant classified as benign is not then subjected to further curation. The score for this variant resulted in a classification of benign for this disease.

Breakthrough Genomics
Classification: Benign. Review status: criteria provided, single submitter. Criteria: ACMG Guidelines, 2015. Collection method: not provided. Allele origin: germline. Inheritance: Autosomal recessive inheritance. Affected: yes.

NM_144966.5(FREM1):c.*2207G>A

Gene: FREM1 (FRAS1 related extracellular matrix 1; minus strand). Cytogenetic location: 9p22.3.
Variant type: single nucleotide variant.
Coding change: c.*2207G>A on transcript NM_144966.5; 2207 bases downstream of the stop codon, G replaced by A.
Genome position (GRCh38, 1-based): chr9:14,735,189, C>T on the plus strand (G>A on the coding strand, the complement: FREM1 is on the minus strand). VCF-style: chr9-14735189-C-T. GRCh37 (hg19) VCF-style: chr9-14735187-C-T.
Identifiers: ClinVar variation 366063 (VCV000366063.8), dbSNP rs7047712, ClinGen allele CA10633398.